The following is an entry in ClinVar:

ClinVar aggregate classification (germline): Uncertain significance. Review status: criteria provided, multiple submitters, no conflicts (2 of 4 stars). 2 submissions from 2 submitters: Uncertain significance (2). Last evaluated 2024-06-11.

Conditions:
Familial hemiplegic migraine. Identifiers: MedGen C0338484, MONDO:0000700.

Allele frequency attached by ClinVar (database versions not stated): gnomAD exomes 0.00001.

Submissions (2):

GeneDx
Classification: Uncertain significance. Last evaluated: 2024-06-11. Review status: criteria provided, single submitter. Criteria: GeneDx Variant Classification Process June 2021. Collection method: clinical testing. Allele origin: germline. Affected: yes.
Comment: Not observed at significant frequency in large population cohorts (gnomAD); In silico analysis supports that this missense variant has a deleterious effect on protein structure/function; Has not been previously published as pathogenic or benign to our knowledge; This variant is associated with the following publications: (PMID: 18184292)

Labcorp Genetics (formerly Invitae), Labcorp
Classification: Uncertain significance for Familial hemiplegic migraine. Last evaluated: 2024-02-17. Review status: criteria provided, single submitter. Criteria: Invitae Variant Classification Sherloc (09022015). Collection method: clinical testing. Allele origin: germline.
Comment: This sequence change replaces aspartic acid, which is acidic and polar, with asparagine, which is neutral and polar, at codon 392 of the ATP1A2 protein (p.Asp392Asn). This variant is not present in population databases (gnomAD no frequency). This variant has not been reported in the literature in individuals affected with ATP1A2-related conditions. ClinVar contains an entry for this variant (Variation ID: 2501660). Advanced modeling of protein sequence and biophysical properties (such as structural, functional, and spatial information, amino acid conservation, physicochemical variation, residue mobility, and thermodynamic stability) performed at Invitae indicates that this missense variant is not expected to disrupt ATP1A2 protein function with a negative predictive value of 80%. In summary, the available evidence is currently insufficient to determine the role of this variant in disease. Therefore, it has been classified as a Variant of Uncertain Significance.

NM_000702.4(ATP1A2):c.1174G>A (p.Asp392Asn)

Gene: ATP1A2 (ATPase Na+/K+ transporting subunit alpha 2; plus strand). Cytogenetic location: 1q23.2.
Variant type: single nucleotide variant.
Coding change: c.1174G>A on transcript NM_000702.4 (MANE Select); coding-DNA position 1174, G replaced by A.
Protein change: p.Asp392Asn; replaces aspartic acid 392 with asparagine.
Molecular consequence: missense variant.
Genome position (GRCh38, 1-based): chr1:160,128,808, G>A. VCF-style: chr1-160128808-G-A. GRCh37 (hg19) VCF-style: chr1-160098598-G-A.
Other names: short protein forms D392N.
Identifiers: ClinVar variation 2501660 (VCV002501660.4), dbSNP rs1651668059, ClinGen allele CA343239670.